The following is an entry in ClinVar:

ClinVar aggregate classification (germline): Uncertain significance (1 of 4 stars; one submission).

Conditions:
BBS1-related disorder. Also called: BBS1-related condition.

Submission:

PreventionGenetics, part of Exact Sciences
Classification: Uncertain significance for BBS1-related condition. Last evaluated: 2025-09-11. Review status: criteria provided, single submitter. Criteria: ACMG Guidelines, 2015. Collection method: clinical testing. Allele origin: germline.
Comment: The BBS1 c.348G>T variant is predicted to result in the amino acid substitution p.Lys116Asn. To our knowledge, this variant has not been reported in the literature or in a large population database (gnomAD), indicating this variant is rare. At this time, the clinical significance of this variant is uncertain due to the absence of conclusive functional and genetic evidence.

NM_024649.5(BBS1):c.348G>T (p.Lys116Asn)

Gene: BBS1 (Bardet-Biedl syndrome 1; plus strand). Cytogenetic location: 11q13.2.
Variant type: single nucleotide variant.
Coding change: c.348G>T on transcript NM_024649.5 (MANE Select); coding-DNA position 348, G replaced by T.
Protein change: p.Lys116Asn; replaces lysine 116 with asparagine.
Molecular consequence: missense variant.
Genome position (GRCh38, 1-based): chr11:66,514,594, G>T. VCF-style: chr11-66514594-G-T. GRCh37 (hg19) VCF-style: chr11-66282065-G-T.
Other names: short protein forms K116N.
Identifiers: ClinVar variation 4996034 (VCV004996034.1).
Genomic context (GRCh38, chr11:66,514,594, plus strand): 5'-ACATGAGCCCCGGACCCCAGCTCTGGCACTTGCTTCAGGCCCTTGTGTCTATGTGTATAA[G>T]AATCTCAGACCCTACTTCAAGTTCAGCCTGCCCCAATTGCCTCCAAATCCTCTGGAACAA-3'
Protein context (NP_078925.3, residues 106-126): LASGPCVYVY[Lys116Asn]NLRPYFKFSL